The following is an entry in ClinVar:

ClinVar aggregate classification (germline): Uncertain significance. Review status: criteria provided, multiple submitters, no conflicts (2 of 4 stars). 2 submissions from 2 submitters: Uncertain significance (2). Last evaluated 2025-08-14.

Conditions:
Hereditary spastic paraplegia 53. Also called: Spastic paraplegia 53, autosomal recessive. Identifiers: Orphanet 319199, MedGen C3539494, MONDO:0013962, OMIM 614898.

gnomAD v4.1: 48 of 1,612,016 alleles (0.003%); highest among the groups gnomAD compares: Non-Finnish European, 0.004%; no homozygotes.

Submissions (2):

Ambry Genetics
Classification: Uncertain significance. Last evaluated: 2025-08-14. Review status: criteria provided, single submitter. Criteria: Ambry Variant Classification Scheme 2023. Collection method: clinical testing. Allele origin: germline.

Labcorp Genetics (formerly Invitae), Labcorp
Classification: Uncertain significance for Hereditary spastic paraplegia 53. Last evaluated: 2025-08-07. Review status: criteria provided, single submitter. Criteria: Invitae Variant Classification Sherloc (09022015). Collection method: clinical testing. Allele origin: germline.
Comment: This sequence change replaces proline, which is neutral and non-polar, with alanine, which is neutral and non-polar, at codon 228 of the VPS37A protein (p.Pro228Ala). This variant is present in population databases (rs200847352, gnomAD 0.003%). This variant has not been reported in the literature in individuals affected with VPS37A-related conditions. Invitae Evidence Modeling of protein sequence and biophysical properties (such as structural, functional, and spatial information, amino acid conservation, physicochemical variation, residue mobility, and thermodynamic stability) has been performed for this missense variant. However, the output from this modeling did not meet the statistical confidence thresholds required to predict the impact of this variant on VPS37A protein function. In summary, the available evidence is currently insufficient to determine the role of this variant in disease. Therefore, it has been classified as a Variant of Uncertain Significance.

NM_152415.3(VPS37A):c.682C>G (p.Pro228Ala)

Gene: VPS37A (VPS37A subunit of ESCRT-I; plus strand). Cytogenetic location: 8p22.
Variant type: single nucleotide variant.
Coding change: c.682C>G on transcript NM_152415.3 (MANE Select); coding-DNA position 682, C replaced by G.
Protein change: p.Pro228Ala; replaces proline 228 with alanine.
Molecular consequence: missense variant.
Genome position (GRCh38, 1-based): chr8:17,276,436, C>G. VCF-style: chr8-17276436-C-G. GRCh37 (hg19) VCF-style: chr8-17133945-C-G.
Other names: c.607C>G, p.Pro203Ala (NM_001145152.2); c.682C>G, p.Pro228Ala (NM_001363167.1, NM_001363173.2); c.412C>G, p.Pro138Ala (NM_001363168.1, NM_001363169.1, NM_001363170.1 and 2 more transcripts); short protein forms P203A, P228A, P138A.
Identifiers: ClinVar variation 4199244 (VCV004199244.2).